The following is an entry in ClinVar:

NM_001567.4(INPPL1):c.325C>G (p.Leu109Val)

Gene: INPPL1 (inositol polyphosphate phosphatase like 1; plus strand). Cytogenetic location: 11q13.4.
Variant type: single nucleotide variant.
Coding change: c.325C>G on transcript NM_001567.4 (MANE Select); coding-DNA position 325, C replaced by G.
Protein change: p.Leu109Val; replaces leucine 109 with valine.
Molecular consequence: missense variant.
Genome position (GRCh38, 1-based): chr11:72,228,426, C>G. VCF-style: chr11-72228426-C-G. GRCh37 (hg19) VCF-style: chr11-71939470-C-G.
Other names: short protein forms L109V.
Identifiers: ClinVar variation 3600948 (VCV003600948.1).

ClinVar aggregate classification (germline): Uncertain significance (1 of 4 stars; one submission).

Submission:

GeneDx
Classification: Uncertain significance. Last evaluated: 2024-07-25. Review status: criteria provided, single submitter. Criteria: GeneDx Variant Classification Process June 2021. Collection method: clinical testing. Allele origin: germline. Affected: yes.
Comment: In silico analysis indicates that this missense variant does not alter protein structure/function; Has not been previously published as pathogenic or benign to our knowledge